The following is an entry in ClinVar:

ClinVar aggregate classification (germline): Uncertain significance (1 of 4 stars; one submission).

Conditions:
Periodic fever-infantile enterocolitis-autoinflammatory syndrome. Also called: Autoinflammation with infantile enterocolitis. Identifiers: Orphanet 436166, MedGen C4015067, MONDO:0014472, OMIM 616050.
Familial cold autoinflammatory syndrome 4 (FCAS4). Identifiers: Orphanet 47045, Orphanet 576349, MedGen C4015276, MONDO:0014498, OMIM 616115.

Allele frequency attached by ClinVar (database versions not stated): gnomAD exomes below 0.00001.
gnomAD v4.1: 6 of 1,614,092 alleles (0.00037%); highest among the groups gnomAD compares: South Asian, 0.0044%; 1 homozygote.

Submission:

Labcorp Genetics (formerly Invitae), Labcorp
Classification: Uncertain significance for Autoinflammation with infantile enterocolitis; Familial cold autoinflammatory syndrome 4. Last evaluated: 2019-04-06. Review status: criteria provided, single submitter. Criteria: Invitae Variant Classification Sherloc (09022015). Collection method: clinical testing. Allele origin: germline.
Comment: This sequence change replaces tryptophan with cysteine at codon 917 of the NLRC4 protein (p.Trp917Cys). The tryptophan residue is highly conserved and there is a large physicochemical difference between tryptophan and cysteine. This variant is not present in population databases (ExAC no frequency). This variant has not been reported in the literature in individuals with NLRC4-related conditions. Algorithms developed to predict the effect of missense changes on protein structure and function are either unavailable or do not agree on the potential impact of this missense change (SIFT: "Deleterious"; PolyPhen-2: "Possibly Damaging"; Align-GVGD: "Class C0"). In summary, the available evidence is currently insufficient to determine the role of this variant in disease. Therefore, it has been classified as a Variant of Uncertain Significance.

NM_001199138.2(NLRC4):c.2751G>T (p.Trp917Cys)

Gene: NLRC4 (NLR family CARD domain containing 4; minus strand). Cytogenetic location: 2p22.3.
Variant type: single nucleotide variant.
Coding change: c.2751G>T on transcript NM_001199138.2 (MANE Select); coding-DNA position 2751, G replaced by T.
Protein change: p.Trp917Cys; replaces tryptophan 917 with cysteine.
Molecular consequence: missense variant.
Genome position (GRCh38, 1-based): chr2:32,235,432, C>A on the plus strand (G>T on the coding strand, the complement: NLRC4 is on the minus strand). VCF-style: chr2-32235432-C-A. GRCh37 (hg19) VCF-style: chr2-32460501-C-A.
Other names: c.2751G>T, p.Trp917Cys (NM_001199139.2, NM_021209.5); c.756G>T, p.Trp252Cys (NM_001302504.2); short protein forms W252C, W917C.
Identifiers: ClinVar variation 849859 (VCV000849859.1), dbSNP rs989100389, ClinGen allele CA346520616.
Genomic context (GRCh38, chr2:32,235,432, plus strand): 5'-TTATCTTGGCTCTGTATGTGTGTACCTACCTAAAATTCTAATCTCTGTATCTGTGAGTCT[C>A]CAGTTTTTCAACCCAAGCTTGACGAGTTGTGGGACCTCCTCCAAATGTTTCAACAGGCTG-3'
Protein context (NP_001186067.1, residues 907-927): PQLVKLGLKN[Trp917Cys]RLTDTEIRIL